The following is an entry in ClinVar:

ClinVar aggregate classification (germline): Uncertain significance. Review status: criteria provided, multiple submitters, no conflicts (2 of 4 stars). 5 submissions from 5 submitters: Uncertain significance (5). Last evaluated 2026-09-11.

Conditions:
Hypercholesterolemia, autosomal dominant, 3 (FHCL3). Also called: Familial Hypercholesterolemia, Autosomal Dominant, 3; PCSK9-Related Familial Hypercholesterolemia, Autosomal Dominant; Familial hypercholesterolemia 3. Identifiers: MedGen C1863551, MONDO:0011369, OMIM 603776.
Cardiovascular phenotype. Identifiers: MedGen CN230736.
Familial hypercholesterolemia. Also called: Familial hypercholesterolemias; Familial hypercholesterolaemia. Identifiers: MedGen C0020445, MONDO:0005439.

Allele frequency attached by ClinVar (database versions not stated): gnomAD exomes 0.00001; TOPMed below 0.00001.
gnomAD v4.1: 3 of 1,590,870 alleles (0.00019%); highest among the groups gnomAD compares: Non-Finnish European, 0.00026%; no homozygotes.

Submissions (5):

Ambry Genetics
Classification: Uncertain significance for Cardiovascular phenotype. Last evaluated: 2026-09-11. Review status: criteria provided, single submitter. Criteria: Ambry Variant Classification Scheme 2023. Collection method: clinical testing. Allele origin: germline.
Comment: The p.A299T variant (also known as c.895G>A), located in coding exon 6 of the PCSK9 gene, results from a G to A substitution at nucleotide position 895. The alanine at codon 299 is replaced by threonine, an amino acid with similar properties. This amino acid position is conserved. In addition, this alteration is predicted to be tolerated by in silico analysis. Based on the available evidence, the clinical significance of this variant remains unclear.

Women's Health and Genetics/Laboratory Corporation of America, LabCorp
Classification: Uncertain significance. Last evaluated: 2026-05-15. Review status: criteria provided, single submitter. Criteria: LabCorp Variant Classification Summary - May 2015. Collection method: clinical testing. Allele origin: germline.

Mayo Clinic Laboratories, Mayo Clinic
Classification: Uncertain significance. Last evaluated: 2025-02-03. Review status: criteria provided, single submitter. Criteria: ACMG Guidelines, 2015. Collection method: clinical testing. Allele origin: germline. Observed: 1 variant allele.
Comment: BP4_moderate

Color Diagnostics, LLC DBA Color Health
Classification: Uncertain significance for Familial hypercholesterolemia. Last evaluated: 2024-03-06. Review status: criteria provided, single submitter. Criteria: ACMG Guidelines, 2015. Collection method: clinical testing. Allele origin: germline.
Comment: This missense variant replaces alanine with threonine at codon 299 of the PCSK9 protein. Computational prediction suggests that this variant may not impact protein structure and function (internally defined REVEL score threshold <= 0.5, PMID: 27666373). Splice site prediction tools suggest that this variant may not impact RNA splicing. To our knowledge, functional studies have not been performed for this variant. This variant has not been reported in individuals affected with familial hypercholesterolemia in the literature. This variant has not been identified in the general population by the Genome Aggregation Database (gnomAD). The available evidence is insufficient to determine the role of this variant in disease conclusively. Therefore, this variant is classified as a Variant of Uncertain Significance.

All of Us Research Program, National Institutes of Health
Classification: Uncertain significance for Hypercholesterolemia, autosomal dominant, 3. Last evaluated: 2023-11-30. Review status: criteria provided, single submitter. Criteria: ACMG Guidelines, 2015. Collection method: clinical testing. Allele origin: germline. Inheritance: Autosomal dominant inheritance. Observed: 4 variant alleles, 4 heterozygotes.
Comment: This missense variant replaces alanine with threonine at codon 299 of the PCSK9 protein. Computational prediction suggests that this variant may not impact protein structure and function (internally defined REVEL score threshold <= 0.5, PMID: 27666373). Splice site prediction tools suggest that this variant may not impact RNA splicing. To our knowledge, functional studies have not been performed for this variant. This variant has not been reported in individuals affected with familial hypercholesterolemia in the literature. This variant has not been identified in the general population by the Genome Aggregation Database (gnomAD). The available evidence is insufficient to determine the role of this variant in disease conclusively. Therefore, this variant is classified as a Variant of Uncertain Significance.

This study involves interpretation of variants in research participants for the purpose of population health screening. Participant phenotype was not available at the time of variant classification. Additional details can be found in publication PMID: 35346344, PMCID: PMC8962531

NM_174936.4(PCSK9):c.895G>A (p.Ala299Thr)

Gene: PCSK9 (proprotein convertase subtilisin/kexin type 9; plus strand). Cytogenetic location: 1p32.3.
Variant type: single nucleotide variant.
Coding change: c.895G>A on transcript NM_174936.4 (MANE Select); coding-DNA position 895, G replaced by A.
Protein change: p.Ala299Thr; replaces alanine 299 with threonine.
Molecular consequence: missense variant.
Genome position (GRCh38, 1-based): chr1:55,056,088, G>A. VCF-style: chr1-55056088-G-A. GRCh37 (hg19) VCF-style: chr1-55521761-G-A.
Other names: p.Ala299Thr; c.1018G>A, p.Ala340Thr (NM_001407240.1); c.895G>A, p.Ala299Thr (NM_001407241.1, NM_001407244.1, NM_001407247.1); c.898G>A, p.Ala300Thr (NM_001407242.1); c.838G>A, p.Ala280Thr (NM_001407243.1); c.703G>A, p.Ala235Thr (NM_001407245.1); c.520G>A, p.Ala174Thr (NM_001407246.1); short protein forms A299T, A340T, A235T, A300T, A280T, A174T.
Identifiers: ClinVar variation 922430 (VCV000922430.10), dbSNP rs1359249683, ClinGen allele CA340474699.